The following is an entry in ClinVar:

NM_004006.3(DMD):c.5655G>A (p.Gln1885=)

Gene: DMD (dystrophin; minus strand). Cytogenetic location: Xp21.1.
Variant type: single nucleotide variant.
Coding change: c.5655G>A on transcript NM_004006.3 (MANE Select); coding-DNA position 5655, G replaced by A.
Protein change: p.Gln1885=; no amino-acid change (glutamine 1885 retained).
Molecular consequence: synonymous variant.
Genome position (GRCh38, 1-based): chrX:32,343,218, C>T on the plus strand (G>A on the coding strand, the complement: DMD is on the minus strand). VCF-style: chrX-32343218-C-T. GRCh37 (hg19) VCF-style: chrX-32361335-C-T.
Other names: c.5631G>A, p.Gln1877= (NM_000109.4); c.5643G>A, p.Gln1881= (NM_004009.3); c.5286G>A, p.Gln1762= (NM_004010.3); c.1632G>A, p.Gln544= (NM_004011.4); c.1623G>A, p.Gln541= (NM_004012.4).
Identifiers: ClinVar variation 514029 (VCV000514029.1), dbSNP rs1557291126, ClinGen allele CA515714008.

ClinVar aggregate classification (germline): Likely benign (1 of 4 stars; one submission).

Submission:

GeneDx
Classification: Likely benign. Last evaluated: 2017-12-12. Review status: criteria provided, single submitter. Criteria: GeneDx Variant Classification (06012015). Collection method: clinical testing. Allele origin: germline. Affected: yes.
Comment: This variant is considered likely benign or benign based on one or more of the following criteria: it is a conservative change, it occurs at a poorly conserved position in the protein, it is predicted to be benign by multiple in silico algorithms, and/or has population frequency not consistent with disease.